The following is an entry in ClinVar:

ClinVar aggregate classification (germline): Pathogenic/Likely pathogenic. Review status: criteria provided, multiple submitters, no conflicts (2 of 4 stars). 5 submissions from 5 submitters: Pathogenic (2); Likely pathogenic (3). Last evaluated 2025-11-25.

Conditions:
Cardiovascular phenotype. Identifiers: MedGen CN230736.
Familial isolated arrhythmogenic right ventricular dysplasia. Identifiers: Orphanet 217656, MedGen C4274968, MONDO:0016342.
Cardiomyopathy (CMYO). Also called: Cardiomyopathies. Identifiers: Orphanet 167848, MedGen C0878544, MONDO:0004994, HP:0001638. Inheritance: Various modes of inheritance.
Arrhythmogenic right ventricular dysplasia 9 (ARVD9). Also called: ARRHYTHMOGENIC RIGHT VENTRICULAR DYSPLASIA, FAMILIAL, 9; Arrhythmogenic Right Ventricular Dysplasia/Cardiomyopathy 9. Identifiers: MedGen C1836906, MONDO:0012180, OMIM 609040.

Submissions (5):

Labcorp Genetics (formerly Invitae), Labcorp
Classification: Likely pathogenic for Arrhythmogenic right ventricular dysplasia 9. Last evaluated: 2025-11-25. Review status: criteria provided, single submitter. Criteria: Invitae Variant Classification Sherloc (09022015). Collection method: clinical testing. Allele origin: germline.
Comment: This variant results in the deletion of part of exon 13 (c.2569_2577+41del) of the PKP2 gene. While this variant is not anticipated to result in nonsense mediated decay, it likely alters RNA splicing and results in a disrupted protein product. This variant is not present in population databases (gnomAD no frequency). This variant has been observed in individuals with arrhythmogenic right ventricular cardiomyopathy (PMID: 16893920, 29221435; internal data). ClinVar contains an entry for this variant (Variation ID: 406553). Variants that disrupt the consensus splice site are a relatively common cause of aberrant splicing (PMID: 17576681, 9536098). In summary, the currently available evidence indicates that the variant is pathogenic, but additional data are needed to prove that conclusively. Therefore, this variant has been classified as Likely Pathogenic.

GeneDx
Classification: Pathogenic. Last evaluated: 2025-08-20. Review status: criteria provided, single submitter. Criteria: GeneDx Variant Classification Process June 2021. Collection method: clinical testing. Allele origin: germline.
Comment: Canonical splice site variant predicted to result in a null allele in a gene for which loss of function is a known mechanism of disease; Not observed at significant frequency in large population cohorts (gnomAD); This variant is associated with the following publications: (PMID: 25825460, 16893920, 29221435)

Ambry Genetics
Classification: Pathogenic for Cardiovascular phenotype. Last evaluated: 2025-03-18. Review status: criteria provided, single submitter. Criteria: Ambry Variant Classification Scheme 2023. Collection method: clinical testing. Allele origin: germline.
Comment: The c.2569_2577+41del50 pathogenic mutation results from a deletion of 50 nucleotides between positions c.2569 and c.2569 and involves the canonical splice donor site after coding exon 13 of the PKP2 gene. This variant (also referred to as c.2569del50) was reported in individual(s) with features consistent with arrhythmogenic right ventricular cardiomyopathy (ARVC) (Antoniades L et al. Eur Heart J. 2006 Sep;27(18):2208-16; K&ouml;nig E et al. BMC Med Genet. 2017 Dec;18(1):145). This variant is considered to be rare based on population cohorts in the Genome Aggregation Database (gnomAD). This alteration occurs at the 3' terminus of thePKP2 gene, is not expected to trigger nonsense-mediated mRNAdecay and may result in elongation of the protein. Alterations that disrupt the canonical splice site are expected to cause aberrant splicing, resulting in an abnormal protein or a transcript that is subject to nonsense-mediated mRNA decay. As such, this alteration is interpreted as a disease-causing mutation.

Women's Health and Genetics/Laboratory Corporation of America, LabCorp
Classification: Likely pathogenic for Familial isolated arrhythmogenic right ventricular dysplasia. Last evaluated: 2022-10-19. Review status: criteria provided, single submitter. Criteria: LabCorp Variant Classification Summary - May 2015. Collection method: clinical testing. Allele origin: germline.
Comment: Variant summary: PKP2 c.2569_2577+41del50 (also known as 2569del50) is a deletion that impacts the last nine nucleotides of exon 13 and the first 41 nucleotides of intron 13. The variant was absent in 251362 control chromosomes. c.2569_2577+41del50 has been reported in the literature in multiple individuals affected with Arrhythmogenic Right Ventricular Dysplasia/Cardiomyopathy, and has been reported with potential digenic inheritance and low penetrance (Konig_2017, Antoniades_2006, Protonotarios_2016). These data indicate that the variant is likely to be associated with disease. To our knowledge, no experimental evidence demonstrating an impact on protein function has been reported. Two clinical diagnostic laboratories have submitted clinical-significance assessments for this variant to ClinVar after 2014 without evidence for independent evaluation. All laboratories classified the variant as likely pathogenic. Based on the evidence outlined above, the variant was classified as likely pathogenic.

Color Diagnostics, LLC DBA Color Health
Classification: Likely pathogenic for Cardiomyopathy. Last evaluated: 2021-04-08. Review status: criteria provided, single submitter. Criteria: ACMG Guidelines, 2015. Collection method: clinical testing. Allele origin: germline.
Comment: This variant causes a deletion of the last 9 nucleotides of exon 13 and the first 41 nucleotides of intron 13 of the PKP2 gene. This variant is also known as 2569del50 in the literature. Although functional studies have not been reported for this variant, it is predicted to result in a premature protein truncation (PMID: 16893920) or a frameshift and C-terminal extension due to the use of a cryptic splice donor site, thereby adversely impacting PKP2 function. This variant has been reported in multiple individual affected with arrhythmogenic cardiomyopathy (PMID: 16893920, 29221435; ClinVar SCV000545244.4). This variant has not been identified in the general population by the Genome Aggregation Database (gnomAD). Loss of PKP2 function is a known mechanism of disease. Based on the available evidence, this variant is classified as Likely Pathogenic.

Literature cited by the submitters: PubMed 16893920 (cited by 3 submitters); PubMed 29221435 (cited by 3 submitters); PubMed 17576681 (cited by Labcorp Genetics (formerly Invitae), Labcorp); PubMed 9536098 (cited by Labcorp Genetics (formerly Invitae), Labcorp); PubMed 25825460 (cited by Women's Health and Genetics/Laboratory Corporation of America, LabCorp).

NM_001005242.3(PKP2):c.2437_2445+41del

Gene: PKP2 (plakophilin 2; minus strand). Cytogenetic location: 12p11.21.
Variant type: Deletion.
Coding change: c.2437_2445+41del on transcript NM_001005242.3 (MANE Select); coding-DNA position 2437 through 41 bases into the intron after coding-DNA position 2445, 50 bases deleted.
Molecular consequence: splice donor variant.
Genome position (GRCh38, 1-based): chr12:32,792,603-32,792,652, 50 bases deleted; deleting any 50 consecutive bases within chr12:32,792,603-32,792,655 gives the same sequence; the c. name uses the placement nearest the transcript's 3' end. GRCh37 (hg19): chr12:32,945,540-32,945,589.
Other names: c.2569_2577+41del (NM_004572.4); c.2569_2577+41del50 (NM_004572.3).
Identifiers: ClinVar variation 406553 (VCV000406553.16), dbSNP rs1064792928, ClinGen allele CA16614117.